The following is an entry in ClinVar:

ClinVar aggregate classification (germline): Uncertain significance (1 of 4 stars; one submission).

gnomAD v4.1: 2 of 1,613,988 alleles (0.00012%); highest among the groups gnomAD compares: Non-Finnish European, 0.00017%; no homozygotes.

Submission:

CeGaT Center for Human Genetics Tuebingen
Classification: Uncertain significance. Last evaluated: 2026-06-01. Review status: criteria provided, single submitter. Criteria: CeGaT Center For Human Genetics Tuebingen Variant Classification Criteria Version 2. Collection method: clinical testing. Allele origin: germline. Affected: yes. Observed: 1 variant allele.
Comment: CP: PM2, BP4

NM_000096.4(CP):c.845A>G (p.Lys282Arg)

Gene: CP (ceruloplasmin; minus strand). Cytogenetic location: 3q25.1.
Variant type: single nucleotide variant.
Coding change: c.845A>G on transcript NM_000096.4 (MANE Select); coding-DNA position 845, A replaced by G.
Protein change: p.Lys282Arg; replaces lysine 282 with arginine.
Molecular consequence: missense variant. On other transcripts: non-coding transcript variant (1).
Genome position (GRCh38, 1-based): chr3:149,207,554, T>C on the plus strand (A>G on the coding strand, the complement: CP is on the minus strand). VCF-style: chr3-149207554-T-C. GRCh37 (hg19) VCF-style: chr3-148925341-T-C.
Other names: short protein forms K282R.
Identifiers: ClinVar variation 4873205 (VCV004873205.2).